The following is an entry in ClinVar:

ClinVar aggregate classification (germline): Uncertain significance (1 of 4 stars; one submission).

gnomAD v4.1: 3 of 1,613,842 alleles (0.00019%); highest among the groups gnomAD compares: Admixed American, 0.0033%; no homozygotes.

Submission:

CeGaT Center for Human Genetics Tuebingen
Classification: Uncertain significance. Last evaluated: 2026-09-01. Review status: criteria provided, single submitter. Criteria: CeGaT Center For Human Genetics Tuebingen Variant Classification Criteria Version 2. Collection method: clinical testing. Allele origin: germline. Affected: yes. Observed: 1 variant allele.
Comment: DHX9: PM2, BP4

NM_001357.5(DHX9):c.3261-3T>C

Gene: DHX9 (DExH-box helicase 9; plus strand). Cytogenetic location: 1q25.3.
Variant type: single nucleotide variant.
Coding change: c.3261-3T>C on transcript NM_001357.5 (MANE Select); 3 bases into the intron before coding-DNA position 3261, T replaced by C.
Molecular consequence: intron variant.
Genome position (GRCh38, 1-based): chr1:182,884,610, T>C. VCF-style: chr1-182884610-T-C. GRCh37 (hg19) VCF-style: chr1-182853745-T-C.
Identifiers: ClinVar variation 5041822 (VCV005041822.1).